The following is an entry in ClinVar:

ClinVar aggregate classification (germline): Uncertain significance (1 of 4 stars; one submission).

Conditions:
Left ventricular noncompaction 8 (LVNC8). Identifiers: Orphanet 154, Orphanet 54260, MedGen C3809288, MONDO:0014152, OMIM 615373.

Allele frequency attached by ClinVar (database versions not stated): gnomAD exomes 0.00002; ExAC 0.00003; gnomAD 0.00003; TOPMed 0.00003.
gnomAD v4.1: 35 of 1,612,774 alleles (0.0022%); highest among the groups gnomAD compares: Admixed American, 0.0067%; no homozygotes.

Submission:

Labcorp Genetics (formerly Invitae), Labcorp
Classification: Uncertain significance for Left ventricular noncompaction 8. Last evaluated: 2022-10-17. Review status: criteria provided, single submitter. Criteria: Invitae Variant Classification Sherloc (09022015). Collection method: clinical testing. Allele origin: germline.
Comment: This sequence change replaces aspartic acid, which is acidic and polar, with asparagine, which is neutral and polar, at codon 614 of the PRDM16 protein (p.Asp614Asn). This variant is present in population databases (rs764738323, gnomAD 0.01%). In summary, the available evidence is currently insufficient to determine the role of this variant in disease. Therefore, it has been classified as a Variant of Uncertain Significance. Algorithms developed to predict the effect of missense changes on protein structure and function are either unavailable or do not agree on the potential impact of this missense change (SIFT: "Deleterious"; PolyPhen-2: "Probably Damaging"; Align-GVGD: "Class C15"). This variant has not been reported in the literature in individuals affected with PRDM16-related conditions.

NM_022114.4(PRDM16):c.1840G>A (p.Asp614Asn)

Gene: PRDM16 (PR/SET domain 16; plus strand). Cytogenetic location: 1p36.32.
Variant type: single nucleotide variant.
Coding change: c.1840G>A on transcript NM_022114.4 (MANE Select); coding-DNA position 1840, G replaced by A.
Protein change: p.Asp614Asn; replaces aspartic acid 614 with asparagine.
Molecular consequence: missense variant.
Genome position (GRCh38, 1-based): chr1:3,412,037, G>A. VCF-style: chr1-3412037-G-A. GRCh37 (hg19) VCF-style: chr1-3328601-G-A.
Other names: c.1840G>A, p.Asp614Asn (NM_199454.3); short protein forms D614N.
Identifiers: ClinVar variation 1929537 (VCV001929537.5), dbSNP rs764738323, ClinGen allele CA544304.